The following is an entry in ClinVar:

NM_020207.7(ERCC6L2):c.3797A>G (p.Gln1266Arg)

Gene: ERCC6L2 (ERCC excision repair 6 like 2; plus strand). Cytogenetic location: 9q22.32.
Variant type: single nucleotide variant.
Coding change: c.3797A>G on transcript NM_020207.7 (MANE Select); coding-DNA position 3797, A replaced by G.
Protein change: p.Gln1266Arg; replaces glutamine 1266 with arginine.
Molecular consequence: missense variant. On other transcripts: non-coding transcript variant (1), intron variant (2).
Genome position (GRCh38, 1-based): chr9:96,012,347, A>G. VCF-style: chr9-96012347-A-G. GRCh37 (hg19) VCF-style: chr9-98774629-A-G.
Other names: c.3674+7646A>G (NM_001375291.1, NM_001375292.1); short protein forms Q1266R.
Identifiers: ClinVar variation 3008465 (VCV003008465.3), dbSNP rs2490770170, ClinGen allele CA466120862.

ClinVar aggregate classification (germline): Uncertain significance (1 of 4 stars; one submission).

Submission:

Labcorp Genetics (formerly Invitae), Labcorp
Classification: Uncertain significance. Last evaluated: 2023-06-14. Review status: criteria provided, single submitter. Criteria: Invitae Variant Classification Sherloc (09022015). Collection method: clinical testing. Allele origin: germline.
Comment: In summary, the available evidence is currently insufficient to determine the role of this variant in disease. Therefore, it has been classified as a Variant of Uncertain Significance. Experimental studies and prediction algorithms are not available or were not evaluated, and the functional significance of this variant is currently unknown. This variant has not been reported in the literature in individuals affected with ERCC6L2-related conditions. This variant is not present in population databases (gnomAD no frequency). This sequence change replaces glutamine, which is neutral and polar, with arginine, which is basic and polar, at codon 1277 of the ERCC6L2 protein (p.Gln1277Arg).